The following is an entry in ClinVar:

NM_000059.4(BRCA2):c.6387A>G (p.Glu2129=)

Gene: BRCA2 (BRCA2 DNA repair associated; plus strand). Cytogenetic location: 13q13.1.
Variant type: single nucleotide variant.
Coding change: c.6387A>G on transcript NM_000059.4 (MANE Select); coding-DNA position 6387, A replaced by G.
Protein change: p.Glu2129=; no amino-acid change (glutamic acid 2129 retained).
Molecular consequence: synonymous variant. On other transcripts: non-coding transcript variant (1), intron variant (2).
Genome position (GRCh38, 1-based): chr13:32,340,742, A>G. VCF-style: chr13-32340742-A-G. GRCh37 (hg19) VCF-style: chr13-32914879-A-G.
Other names: c.6387A>G, p.Glu2129= (NM_001406719.1, NM_001406720.1); c.1910-3816A>G (NM_001406721.1); c.425-3816A>G (NM_001406722.1).
Identifiers: ClinVar variation 3074699 (VCV003074699.1), dbSNP rs2137526976, ClinGen allele CA483438840.

ClinVar aggregate classification (germline): Likely benign (1 of 4 stars; one submission).

Conditions:
Breast-ovarian cancer, familial, susceptibility to, 2 (BROVCA2). Also called: BRCA2 Hereditary Breast and Ovarian Cancer. Identifiers: Orphanet 145, MedGen C2675520, MONDO:0012933, OMIM 612555. Disease mechanism: loss of function.

Submission:

All of Us Research Program, National Institutes of Health
Classification: Likely benign for Breast-ovarian cancer, familial, susceptibility to, 2. Last evaluated: 2023-11-20. Review status: criteria provided, single submitter. Criteria: ACMG Guidelines, 2015. Collection method: clinical testing. Allele origin: germline. Inheritance: Autosomal dominant inheritance. Observed: 1 variant allele, 1 heterozygote.
Comment: This study involves interpretation of variants in research participants for the purpose of population health screening. Participant phenotype was not available at the time of variant classification. Additional details can be found in publication PMID: 35346344, PMCID: PMC8962531